The following is an entry in ClinVar:

NM_017649.5(CNNM2):c.1842T>C (p.Ser614=)

Gene: CNNM2 (cyclin and CBS domain divalent metal cation transport mediator 2; plus strand). Cytogenetic location: 10q24.32.
Variant type: single nucleotide variant.
Coding change: c.1842T>C on transcript NM_017649.5 (MANE Select); coding-DNA position 1842, T replaced by C.
Protein change: p.Ser614=; no amino-acid change (serine 614 retained).
Molecular consequence: synonymous variant.
Genome position (GRCh38, 1-based): chr10:103,054,405, T>C. VCF-style: chr10-103054405-T-C. GRCh37 (hg19) VCF-style: chr10-104814162-T-C.
Other names: p.Ser614=; c.1842T>C, p.Ser614= (NM_199076.3).
Identifiers: ClinVar variation 298645 (VCV000298645.19), dbSNP rs2275271, ClinGen allele CA5670472.

ClinVar aggregate classification (germline): Benign. Review status: criteria provided, multiple submitters, no conflicts (2 of 4 stars). 8 submissions from 7 submitters: Benign (8). Last evaluated 2026-05-05.

Conditions:
Hypomagnesemia, seizures, and impaired intellectual development 1. Also called: Hypomagnesemia, seizures, and intellectual disability 1. Identifiers: Orphanet 34527, MedGen C4225333, MONDO:0020787, OMIM 616418.
Renal hypomagnesemia 6. Identifiers: Orphanet 34527, MedGen C3151295, MONDO:0013480, OMIM 613882.

Allele frequency attached by ClinVar (database versions not stated): gnomAD exomes 0.40150 and 0.41779; gnomAD 0.40382 and 0.40615; 1000 Genomes Project 30x 0.42520; 1000 Genomes Project 0.43251; ESP Exome Variant Server 0.39021; ExAC 0.41992; TOPMed 0.40789.
gnomAD v4.1: 648,863 of 1,613,048 alleles (40%); highest among the groups gnomAD compares: East Asian, 51%; 131,720 homozygotes.

Submissions (8):

Revvity Omics, Revvity
Classification: Benign. Last evaluated: 2026-05-05. Review status: criteria provided, single submitter. Criteria: ACMG Guidelines, 2015. Collection method: clinical testing. Allele origin: germline.

Labcorp Genetics (formerly Invitae), Labcorp
Classification: Benign. Last evaluated: 2026-02-04. Review status: criteria provided, single submitter. Criteria: Invitae Variant Classification Sherloc (09022015). Collection method: clinical testing. Allele origin: germline.

Mayo Clinic Laboratories, Mayo Clinic
Classification: Benign. Last evaluated: 2022-03-09. Review status: criteria provided, single submitter. Criteria: ACMG Guidelines, 2015. Collection method: clinical testing. Allele origin: germline. Observed: 116 variant alleles.

Genome-Nilou Lab
Classification: Benign for Renal hypomagnesemia 6. Last evaluated: 2021-07-22. Review status: criteria provided, single submitter. Criteria: ACMG Guidelines, 2015. Collection method: clinical testing. Allele origin: germline. Affected: no.

Genome-Nilou Lab
Classification: Benign for Hypomagnesemia, seizures, and impaired intellectual development 1. Last evaluated: 2021-07-22. Review status: criteria provided, single submitter. Criteria: ACMG Guidelines, 2015. Collection method: clinical testing. Allele origin: germline. Affected: no.

GeneDx
Classification: Benign. Last evaluated: 2018-11-10. Review status: criteria provided, single submitter. Criteria: GeneDx Variant Classification Process June 2021. Collection method: clinical testing. Allele origin: germline. Affected: yes.

Illumina Laboratory Services, Illumina
Classification: Benign for Renal hypomagnesemia 6. Last evaluated: 2018-01-12. Review status: criteria provided, single submitter. Criteria: ICSL Variant Classification Criteria 13 December 2019. Collection method: clinical testing. Allele origin: germline.
Comment: This variant was observed in the ICSL laboratory as part of a predisposition screen in an ostensibly healthy population. It had not been previously curated by ICSL or reported in the Human Gene Mutation Database (HGMD: prior to June 1st, 2018), and was therefore a candidate for classification through an automated scoring system. Utilizing variant allele frequency, disease prevalence and penetrance estimates, and inheritance mode, an automated score was calculated to assess if this variant is too frequent to cause the disease. Based on the score and internal cut-off values, a variant classified as benign is not then subjected to further curation. The score for this variant resulted in a classification of benign for this disease.

Breakthrough Genomics
Classification: Benign. Review status: criteria provided, single submitter. Criteria: ACMG Guidelines, 2015. Collection method: not provided. Allele origin: germline. Inheritance: Autosomal dominant inheritance. Affected: yes.